The following is an entry in ClinVar:

NM_000371.4(TTR):c.290C>A (p.Ser97Tyr)

Gene: TTR (transthyretin; plus strand). Cytogenetic location: 18q12.1.
Variant type: single nucleotide variant.
Coding change: c.290C>A on transcript NM_000371.4 (MANE Select); coding-DNA position 290, C replaced by A.
Protein change: p.Ser97Tyr; replaces serine 97 with tyrosine.
Molecular consequence: missense variant.
Genome position (GRCh38, 1-based): chr18:31,595,209, C>A. VCF-style: chr18-31595209-C-A. GRCh37 (hg19) VCF-style: chr18-29175172-C-A.
Other names: S77Y; short protein forms S97Y.
Identifiers: ClinVar variation 13422 (VCV000013422.31), dbSNP rs121918071, ClinGen allele CA256800.

ClinVar aggregate classification (germline): Pathogenic/Likely pathogenic. Review status: criteria provided, multiple submitters, no conflicts (2 of 4 stars). 10 submissions from 10 submitters: Pathogenic (8); Likely pathogenic (1). 1 of the submissions does not count toward it. Last evaluated 2026-06-01.

Conditions:
Amyloidosis, hereditary systemic 1 (AMYLD1). Also called: Transthyretin Amyloidosis; Hereditary oculoleptomeningeal amyloid angiopathy; Familial Transthyretin Amyloidosis; AMYLOID CARDIOMYOPATHY; Isolated Cardiac Amyloidosis; Amyloid Cardiomyopathy, Transthyretin-related. Identifiers: Orphanet 85447, Orphanet 85451, MedGen C2751492, MONDO:0971004, OMIM 105210.
Carpal tunnel syndrome 1 (CTS1). Also called: Carpal tunnel syndrome, familial. Identifiers: MedGen C5779776, MONDO:0020730, OMIM 115430.
Hyperthyroxinemia, dystransthyretinemic. Also called: HYPERTHYROXINEMIA, DYSPREALBUMINEMIC; EUTHRYROIDAL HYPERTHYROXINEMIA 2. Identifiers: MedGen C2750824, MONDO:0007785, OMIM 145680.
Cardiovascular phenotype. Identifiers: MedGen CN230736.
Charcot-Marie-Tooth disease. Also called: Charcot-Marie-Tooth Hereditary Neuropathy; Charcot-Marie-Tooth Neuropathy. Identifiers: Orphanet 166, MedGen C0007959, MONDO:0015626.

Allele frequency attached by ClinVar (database versions not stated): gnomAD exomes below 0.00001.
gnomAD v4.1: 3 of 1,614,140 alleles (0.00019%); highest among the groups gnomAD compares: Non-Finnish European, 0.00017%; no homozygotes.

Submissions (10):

CeGaT Center for Human Genetics Tuebingen
Classification: Pathogenic. Last evaluated: 2026-06-01. Review status: criteria provided, single submitter. Criteria: CeGaT Center For Human Genetics Tuebingen Variant Classification Criteria Version 2. Collection method: clinical testing. Allele origin: germline. Affected: yes. Observed: 3 variant alleles.
Comment: TTR: PS4, PM1, PM2, PM5, PS3:Supporting

Labcorp Genetics (formerly Invitae), Labcorp
Classification: Pathogenic for Amyloidosis, hereditary systemic 1. Last evaluated: 2026-01-11. Review status: criteria provided, single submitter. Criteria: Invitae Variant Classification Sherloc (09022015). Collection method: clinical testing. Allele origin: germline.
Comment: This sequence change replaces serine, which is neutral and polar, with tyrosine, which is neutral and polar, at codon 97 of the TTR protein (p.Ser97Tyr). This variant is not present in population databases (gnomAD no frequency). This missense change has been observed in individuals with hereditary amyloidosis (PMID: 1981182, 2891727, 9748014, 9771673, 25997029, 26017327). It has also been observed to segregate with disease in related individuals. This variant is also known as p.Ser77Tyr. ClinVar contains an entry for this variant (Variation ID: 13422). Invitae Evidence Modeling of protein sequence and biophysical properties (such as structural, functional, and spatial information, amino acid conservation, physicochemical variation, residue mobility, and thermodynamic stability) indicates that this missense variant is expected to disrupt TTR protein function with a positive predictive value of 80%. For these reasons, this variant has been classified as Pathogenic.

Ambry Genetics
Classification: Pathogenic for Cardiovascular phenotype. Last evaluated: 2025-06-11. Review status: criteria provided, single submitter. Criteria: Ambry Variant Classification Scheme 2023. Collection method: clinical testing. Allele origin: germline.
Comment: The p.S97Y pathogenic mutation (also known as c.290C>A and S77Y), located in coding exon 3 of the TTR gene, results from a C to A substitution at nucleotide position 290. The serine at codon 97 is replaced by tyrosine, an amino acid with dissimilar properties. This mutation has been identified in numerous individuals with TTR amyloidosis (Wallace MR et al. J. Clin. Invest., 1988 Jan;81:189-93; Blanco-Jerez CR et al. Muscle Nerve, 1998 Nov;21:1478-85; Mariani LL et al. Ann. Neurol., 2015 Dec;78:901-16; Rowczenio D et al. Hum. Mutat., 2019 Jan;40:90-96). This amino acid position is not well conserved in available vertebrate species. In addition, this alteration is predicted to be deleterious by in silico analysis. This variant is considered to be rare based on population cohorts in the Genome Aggregation Database (gnomAD). Based on the supporting evidence, this alteration is interpreted as a disease-causing mutation.

ARUP Laboratories, Molecular Genetics and Genomics, ARUP Laboratories
Classification: Pathogenic. Last evaluated: 2025-05-09. Review status: criteria provided, single submitter. Criteria: ARUP Molecular Germline Variant Investigation Process 2024. Collection method: clinical testing. Allele origin: germline.
Comment: The TTR c.290C>A; p.Ser97Tyr variant (rs121918071, ClinVar Variation ID: 13422), also known as Ser77Tyr, is reported in the literature in multiple individuals and families affected with polyneuropathy and amyloidosis (Bhatia 1993, Blanco-Jerez 1998, Dohrn 2013, Fontana 2015, Mariani 2015, Reilly 1995, Satier 1990, Swiecicki 2015, Wallace 1998). This variant is absent from the Genome Aggregation Database (v2.1.1), indicating it is not a common polymorphism. Computational analyses predict this variant is deleterious (REVEL: 0.71). Functional analyses of the variant protein show reduced stability of monomers and tetramers (Altland 2007). Based on available information, this variant is considered to be pathogenic. References: Altland K et al. Genetic microheterogeneity of human transthyretin detected by IEF. Electrophoresis. 2007 Jun;28(12):2053-64. Bhatia K et al. Transthyretin gene mutations in British and French patients with amyloid neuropathy. J Neurol Neurosurg Psychiatry. 1993 Jun;56(6):694-7. Blanco-Jerez CR et al. Transthyretin Tyr77 familial amyloid polyneuropathy: a clinicopathological study of a large kindred. Muscle Nerve. 1998 Nov;21(11):1478-85. Dohrn MF et al. Diagnostic hallmarks and pitfalls in late-onset progressive transthyretin-related amyloid-neuropathy. J Neurol. 2013 Dec;260(12):3093-108. Fontana M et al. Differential Myocyte Responses in Patients with Cardiac Transthyretin Amyloidosis and Light-Chain Amyloidosis: A Cardiac MR Imaging Study. Radiology. 2015 Nov;277(2):388-97. Mariani LL et al. Genotype-phenotype correlation and course of transthyretin familial amyloid polyneuropathies in France. Ann Neurol. 2015 Dec;78(6):901-16. Reilly MM et al. Transthyretin gene analysis in European patients with suspected familial amyloid polyneuropathy. Brain. 1995 Aug;118 (Pt 4):849-56. Satier F et al. Diagnosis of familial amyloidotic polyneuropathy in France. Clin Genet. 1990 Dec;38(6):469-73. Swiecicki PL et al. Hereditary ATTR amyloidosis: a single-institution experience with 266 patients. Amyloid. 2015;22(2):123-31. Wallace MR et al. Identification of a new hereditary amyloidosis prealbumin variant, Tyr-77, and detection of the gene by DNA analysis. J Clin Invest. 1988 Jan;81(1):189-93. Zeldenrust SR. Genotype--phenotype correlation in FAP. Amyloid. 2012 Jun;19 Suppl 1:22-4.

Athena Diagnostics
Classification: Pathogenic. Last evaluated: 2023-09-19. Review status: criteria provided, single submitter. Criteria: Athena Diagnostics Criteria. Collection method: clinical testing. Allele origin: unknown.
Comment: This variant has been identified in multiple unrelated individuals with clinical features of transthyretin-related amyloidosis. This variant has not been reported in large, multi-ethnic general populations. In some published literature, this variant is referred to as Ser77Tyr. Assessment of experimental evidence suggests this variant results in abnormal protein function. Experiments indicate this variant results in reduced tetramer stability compared to wild-type (PMID: 17503405).

Fulgent Genetics
Classification: Likely pathogenic for Amyloidosis, hereditary systemic 1; Carpal tunnel syndrome 1; Hyperthyroxinemia, dystransthyretinemic. Last evaluated: 2021-11-15. Review status: criteria provided, single submitter. Criteria: ACMG Guidelines, 2015. Collection method: clinical testing. Allele origin: unknown.

GeneDx
Classification: Pathogenic. Last evaluated: 2018-07-09. Review status: criteria provided, single submitter. Criteria: GeneDx Variant Classification (06012015). Collection method: clinical testing. Allele origin: germline. Affected: yes.
Comment: The S97Y pathogenic variant in the TTR gene (also reported as S77Y due to alternative nomenclature) has been published multiple times in association with polyneuropathy and amyloidosis (Wallace et al., 1988; Swiecicki et al. 2015; Fontana et al., 1988; Carr et al., 2016); however, no familial segregation data were provided in these publications. The S97Y variant was not observed in large population cohorts (Lek et al., 2016; 1000 Genomes Consortium et al., 2015; Exome Variant Server). Although the S97Y variant is a semi-conservative amino acid substitution, which may impact secondary protein structure as these residues differ in some properties, and this residue is not conserved, in silico analysis predicts this variant is probably damaging to the protein structure/function. Moreover, electrophoresis gradient assays found that S97Y altered the stability of TTR tetramers (Altland et al., 2007).

Women's Health and Genetics/Laboratory Corporation of America, LabCorp
Classification: Pathogenic for Amyloidosis, hereditary systemic 1. Last evaluated: 2016-04-15. Review status: criteria provided, single submitter. Criteria: LabCorp Variant Classification Summary - May 2015. Collection method: clinical testing. Allele origin: germline.
Comment: Variant summary: The TTR c.290C>A variant affects a conserved nucleotide, resulting in amino acid change from Ser to Tyr. 3/4 in-silico tools predict this variant to be damaging (SNPs&GO not captured due to low reliability index). Functional studies have shown Ser97Tyr (a.k.a. Tyr77) to have reduced conformational stability of monomers and tetramers. This variant was not found in 121366 control chromosomes. After the met30 mutation (176300.0001), the tyr77 mutation is the most prevalent in ATTR patients (OMIM). In addition, multiple reputable databases list this variant in assoication with hereditary amyloidosis. Taken together, this variant was classified as pathogenic.

Molecular Genetics Laboratory, London Health Sciences Centre
Classification: Pathogenic for Charcot-Marie-Tooth disease. Review status: criteria provided, single submitter. Criteria: ACMG Guidelines, 2015. Collection method: clinical testing. Allele origin: germline. Affected: yes.

OMIM
Classification: Pathogenic for AMYLOIDOSIS, HEREDITARY SYSTEMIC 1. Last evaluated: 1998-11-01. Review status: no assertion criteria provided. Collection method: literature only. Allele origin: germline. Not counted in ClinVar's aggregate classification.

Literature cited by the submitters: PubMed 1981182 (cited by 4 submitters); PubMed 2891727 (cited by 5 submitters); PubMed 9748014 (cited by Labcorp Genetics (formerly Invitae), Labcorp); PubMed 9771673 (cited by 5 submitters); PubMed 25997029 (cited by Labcorp Genetics (formerly Invitae), Labcorp); PubMed 26017327 (cited by Labcorp Genetics (formerly Invitae), Labcorp and Athena Diagnostics); PubMed 17503405 (cited by 3 submitters); PubMed 26369527 (cited by Ambry Genetics and Women's Health and Genetics/Laboratory Corporation of America, LabCorp); PubMed 30328212 (cited by Ambry Genetics and Athena Diagnostics); PubMed 26243339 (cited by Athena Diagnostics); PubMed 26537620 (cited by Athena Diagnostics); PubMed 30350904 (cited by Athena Diagnostics); PubMed 22620962 (cited by Athena Diagnostics); PubMed 8509786 (cited by Athena Diagnostics and Women's Health and Genetics/Laboratory Corporation of America, LabCorp); PubMed 7655883 (cited by Athena Diagnostics and Women's Health and Genetics/Laboratory Corporation of America, LabCorp); PubMed 15753613 (cited by Athena Diagnostics); PubMed 23240369 (cited by Athena Diagnostics); PubMed 1997217 (cited by Women's Health and Genetics/Laboratory Corporation of America, LabCorp); PubMed 7608709 (cited by Women's Health and Genetics/Laboratory Corporation of America, LabCorp); PubMed 2877582 (cited by OMIM); Wallace, M. R., Dwulet, F. E., Williams, E. C., Conneally, P. M., Benson, M. D. Identification of a new prealbumin variant, TYR-77, associated with autosomal dominant amyloidosis. (Abstract) Am. J. Hum. Genet. 39: A22, 1986. (cited by OMIM); PubMed 2840822 (cited by OMIM).